The following is an entry in ClinVar:

ClinVar aggregate classification (germline): Uncertain significance (1 of 4 stars; one submission).

Conditions:
Dilated cardiomyopathy 1O (CMD1O). Also called: CARDIOMYOPATHY, DILATED, WITH VENTRICULAR TACHYCARDIA. Identifiers: Orphanet 154, MedGen C1837839, MONDO:0012062, OMIM 608569.

Submission:

Labcorp Genetics (formerly Invitae), Labcorp
Classification: Uncertain significance for Dilated cardiomyopathy 1O. Last evaluated: 2025-06-02. Review status: criteria provided, single submitter. Criteria: Invitae Variant Classification Sherloc (09022015). Collection method: clinical testing. Allele origin: germline.
Comment: This sequence change replaces alanine, which is neutral and non-polar, with glutamic acid, which is acidic and polar, at codon 1098 of the ABCC9 protein (p.Ala1098Glu). Information on the frequency of this variant in the gnomAD database is not available, as this variant may be reported differently in the database. This variant has not been reported in the literature in individuals affected with ABCC9-related conditions. ClinVar contains an entry for this variant (Variation ID: 1503002). An algorithm developed to predict the effect of missense changes on protein structure and function (PolyPhen-2) suggests that this variant is likely to be tolerated. In summary, the available evidence is currently insufficient to determine the role of this variant in disease. Therefore, it has been classified as a Variant of Uncertain Significance.

NM_020297.4(ABCC9):c.3293_3294delinsAA (p.Ala1098Glu)

Gene: ABCC9 (ATP binding cassette subfamily C member 9; minus strand). Cytogenetic location: 12p12.1.
Variant type: Indel.
Coding change: c.3293_3294delinsAA on transcript NM_020297.4 (MANE Select); coding-DNA positions 3293 to 3294, CT replaced by AA.
Protein change: p.Ala1098Glu; replaces alanine 1098 with glutamic acid.
Molecular consequence: missense variant.
Genome position (GRCh38, 1-based): chr12:21,844,504-21,844,505, AG replaced by TT on the plus strand (CT replaced by AA on the coding strand, the reverse complement: ABCC9 is on the minus strand). VCF-style: chr12-21844504-AG-TT. GRCh37 (hg19) VCF-style: chr12-21997438-AG-TT.
Other names: c.3293_3294delinsAA, p.Ala1098Glu (NM_001377273.1, NM_005691.4); c.2426_2427delinsAA, p.Ala809Glu (NM_001377274.1); short protein forms A809E, A1098E.
Identifiers: ClinVar variation 1503002 (VCV001503002.6), dbSNP rs2137385180, ClinGen allele CA2573148552.